The following is an entry in ClinVar:

ClinVar aggregate classification (germline): Benign (1 of 4 stars; one submission).

Conditions:
Familial adenomatous polyposis 1 (FAP1). Also called: POLYPOSIS, ADENOMATOUS INTESTINAL; FAMILIAL ADENOMATOUS POLYPOSIS 1, ATTENUATED. Identifiers: MedGen C2713442, MONDO:0021056, OMIM 175100. Disease mechanism: loss of function.

Submission:

Myriad Genetics, Inc.
Classification: Benign for Familial adenomatous polyposis 1. Last evaluated: 2024-02-27. Review status: criteria provided, single submitter. Criteria: Myriad Autosomal Dominant, Autosomal Recessive and X-Linked Classification Criteria (2023). Collection method: clinical testing. Allele origin: unknown.
Comment: This variant is considered benign. This variant is a silent/synonymous amino acid change and it is not expected to impact splicing.

NM_000038.6(APC):c.846A>C (p.Thr282=)

Gene: APC (APC regulator of Wnt signaling pathway; plus strand). Cytogenetic location: 5q22.2.
Variant type: single nucleotide variant.
Coding change: c.846A>C on transcript NM_000038.6 (MANE Select); coding-DNA position 846, A replaced by C.
Protein change: p.Thr282=; no amino-acid change (threonine 282 retained).
Molecular consequence: synonymous variant. On other transcripts: 5 prime UTR variant (4), non-coding transcript variant (2).
Genome position (GRCh38, 1-based): chr5:112,815,506, A>C. VCF-style: chr5-112815506-A-C. GRCh37 (hg19) VCF-style: chr5-112151203-A-C.
Other names: c.846A>C, p.Thr282= (NM_001127510.3, NM_001354895.2, NM_001354896.2 and 12 more transcripts); c.792A>C, p.Thr264= (NM_001127511.3); c.876A>C, p.Thr292= (NM_001354897.2, NM_001354902.2, NM_001407446.1); c.771A>C, p.Thr257= (NM_001354898.2, NM_001354904.2, NM_001407451.1); c.762A>C, p.Thr254= (NM_001354899.2, NM_001407452.1, NM_001407467.1 and 1 more transcripts); c.669A>C, p.Thr223= (NM_001354900.2, NM_001354901.2, NM_001354905.2 and 1 more transcripts); c.-4A>C (NM_001354906.2, NM_001407470.1, NM_001407471.1 and 1 more transcripts).
Identifiers: ClinVar variation 3148004 (VCV003148004.1), dbSNP rs1554079134, ClinGen allele CA445755679.